The following is an entry in ClinVar:

NM_031885.5(BBS2):c.110del (p.Thr37fs)

Gene: BBS2 (Bardet-Biedl syndrome 2; minus strand). Cytogenetic location: 16q13.
Variant type: Deletion.
Coding change: c.110del on transcript NM_031885.5 (MANE Select); coding-DNA position 110, one base deleted (C; older notation c.110delC).
Protein change: p.Thr37fs; shifts the reading frame from threonine 37.
Molecular consequence: frameshift variant. On other transcripts: non-coding transcript variant (5).
Genome position (GRCh38, 1-based): chr16:56,519,753, G deleted on the plus strand (C on the coding strand, the reverse complement: BBS2 is on the minus strand). VCF-style (leftmost placement, unchanged base first): chr16-56519752-CG-C. GRCh37 (hg19) VCF-style: chr16-56553664-CG-C.
Other names: c.110del, p.Thr37fs (NM_001377456.1); short protein forms T37fs.
Identifiers: ClinVar variation 1073279 (VCV001073279.7), dbSNP rs2144214319, ClinGen allele CA2499223584.

ClinVar aggregate classification (germline): Pathogenic (1 of 4 stars; one submission).

Conditions:
Bardet-Biedl syndrome (BBS). Identifiers: Orphanet 110, MedGen C0752166, MONDO:0015229.

Submission:

Labcorp Genetics (formerly Invitae), Labcorp
Classification: Pathogenic for Bardet-Biedl syndrome. Last evaluated: 2020-09-16. Review status: criteria provided, single submitter. Criteria: Invitae Variant Classification Sherloc (09022015). Collection method: clinical testing. Allele origin: germline.
Comment: For these reasons, this variant has been classified as Pathogenic. Loss-of-function variants in BBS2 are known to be pathogenic (PMID: 11285252, 20177705, 24608809, 26518167). Algorithms developed to predict the effect of sequence changes on RNA splicing suggest that this variant may create or strengthen a splice site, but this prediction has not been confirmed by published transcriptional studies. This variant has not been reported in the literature in individuals with BBS2-related conditions. This variant is not present in population databases (ExAC no frequency). This sequence change creates a premature translational stop signal (p.Thr37Argfs*42) in the BBS2 gene. It is expected to result in an absent or disrupted protein product.

Literature cited by the submitters: PubMed 11285252; PubMed 20177705; PubMed 24608809; PubMed 26518167.